The following is an entry in ClinVar:

NM_152381.6(XIRP2):c.10A>G (p.Met4Val)

Gene: XIRP2 (xin actin binding repeat containing 2; plus strand). Cytogenetic location: 2q24.3.
Variant type: single nucleotide variant.
Coding change: c.10A>G on transcript NM_152381.6 (MANE Select); coding-DNA position 10, A replaced by G.
Protein change: p.Met4Val; replaces methionine 4 with valine.
Molecular consequence: missense variant.
Genome position (GRCh38, 1-based): chr2:166,903,492, A>G. VCF-style: chr2-166903492-A-G. GRCh37 (hg19) VCF-style: chr2-167760002-A-G.
Other names: c.10A>G, p.Met4Val (NM_001079810.4, NM_001199143.2); c.10A>G (NM_152381.5); short protein forms M4V.
Identifiers: ClinVar variation 791155 (VCV000791155.7), dbSNP rs80326955, ClinGen allele CA1946047.

ClinVar aggregate classification (germline): Benign. Review status: criteria provided, multiple submitters, no conflicts (2 of 4 stars). 3 submissions from 3 submitters: Benign (2). 1 of the submissions does not count toward it. Last evaluated 2019-12-31.

Conditions:
XIRP2-related disorder. Also called: XIRP2-related condition.

Allele frequency attached by ClinVar (database versions not stated): gnomAD exomes 0.00386; ExAC 0.00499; 1000 Genomes Project 0.01418; 1000 Genomes Project 30x 0.01452; gnomAD 0.01461 and 0.01592; ESP Exome Variant Server 0.01498; TOPMed 0.01658.
gnomAD v4.1: 4,450 of 1,612,416 alleles (0.28%); highest among the groups gnomAD compares: African/African-American, 5%; 100 homozygotes.

Submissions (3):

Labcorp Genetics (formerly Invitae), Labcorp
Classification: Benign. Last evaluated: 2019-12-31. Review status: criteria provided, single submitter. Criteria: Invitae Variant Classification Sherloc (09022015). Collection method: clinical testing. Allele origin: germline.

Breakthrough Genomics
Classification: Benign. Review status: criteria provided, single submitter. Criteria: ACMG Guidelines, 2015. Collection method: not provided. Allele origin: germline. Inheritance: Unknown mechanism. Affected: yes.

PreventionGenetics, part of Exact Sciences
Classification: Benign for XIRP2-related condition. Last evaluated: 2019-12-24. Review status: no assertion criteria provided. Collection method: clinical testing. Allele origin: germline. Not counted in ClinVar's aggregate classification.
Comment: This variant is classified as benign based on ACMG/AMP sequence variant interpretation guidelines (Richards et al. 2015 PMID: 25741868, with internal and published modifications).